The following is an entry in ClinVar:

ClinVar aggregate classification (germline): Conflicting classifications of pathogenicity. Review status: criteria provided, conflicting classifications (1 of 4 stars). 5 submissions from 5 submitters: Uncertain significance (1); Benign (1); Likely benign (3). Last evaluated 2026-03-04.

Conditions:
Renal tubular dysgenesis. Also called: Renotubular dysgenesis. Identifiers: Orphanet 3033, MedGen C0266313, MONDO:0017609, HP:0008660.
ACE-related disorder. Also called: ACE-related disorders; ACE-related condition.

Allele frequency attached by ClinVar (database versions not stated): gnomAD 0.00006 and 0.00027; TOPMed 0.00012; ESP Exome Variant Server 0.00015; gnomAD exomes 0.00060 and 0.00112; ExAC 0.00128; 1000 Genomes Project 30x 0.00219; 1000 Genomes Project 0.00240.
gnomAD v4.1: 923 of 1,614,166 alleles (0.057%); highest among the groups gnomAD compares: South Asian, 0.84%; 11 homozygotes.

Submissions (5):

PreventionGenetics, part of Exact Sciences
Classification: Likely benign for ACE-related condition. Last evaluated: 2026-03-04. Review status: criteria provided, single submitter. Criteria: ACMG Guidelines, 2015. Collection method: clinical testing. Allele origin: germline.
Comment: This variant is classified as likely benign based on ACMG/AMP sequence variant interpretation guidelines (Richards et al. 2015 PMID: 25741868, with internal and published modifications).

Labcorp Genetics (formerly Invitae), Labcorp
Classification: Benign. Last evaluated: 2025-12-04. Review status: criteria provided, single submitter. Criteria: Invitae Variant Classification Sherloc (09022015). Collection method: clinical testing. Allele origin: germline.

Mayo Clinic Laboratories, Mayo Clinic
Classification: Likely benign. Last evaluated: 2025-09-12. Review status: criteria provided, single submitter. Criteria: ACMG Guidelines, 2015. Collection method: clinical testing. Allele origin: germline. Observed: 1 variant allele.
Comment: BS1, BS2

Genomic Research Center, Shahid Beheshti University of Medical Sciences
Classification: Uncertain significance for Renal dysplasia. Last evaluated: 2019-01-01. Review status: criteria provided, single submitter. Criteria: ACMG Guidelines, 2015. Collection method: clinical testing. Allele origin: inherited. Affected: yes.

Illumina Laboratory Services, Illumina
Classification: Likely benign for Renal tubular dysgenesis of genetic origin. Last evaluated: 2018-01-13. Review status: criteria provided, single submitter. Criteria: ICSL Variant Classification Criteria 13 December 2019. Collection method: clinical testing. Allele origin: germline.
Comment: This variant was observed in the ICSL laboratory as part of a predisposition screen in an ostensibly healthy population. It had not been previously curated by ICSL or reported in the Human Gene Mutation Database (HGMD: prior to June 1st, 2018), and was therefore a candidate for classification through an automated scoring system. Utilizing variant allele frequency, disease prevalence and penetrance estimates, and inheritance mode, an automated score was calculated to assess if this variant is too frequent to cause the disease. Based on the score and internal cut-off values, a variant classified as likely benign is not then subjected to further curation. The score for this variant resulted in a classification of likely benign for this disease.

Literature cited by the submitters: PubMed 30924900 (cited by Mayo Clinic Laboratories, Mayo Clinic).

NM_000789.4(ACE):c.2858G>A (p.Arg953Gln)

Gene: ACE (angiotensin I converting enzyme; plus strand). Cytogenetic location: 17q23.3.
Variant type: single nucleotide variant.
Coding change: c.2858G>A on transcript NM_000789.4 (MANE Select); coding-DNA position 2858, G replaced by A.
Protein change: p.Arg953Gln; replaces arginine 953 with glutamine.
Molecular consequence: missense variant.
Genome position (GRCh38, 1-based): chr17:63,491,327, G>A. VCF-style: chr17-63491327-G-A. GRCh37 (hg19) VCF-style: chr17-61568688-G-A.
Other names: p.Arg953Gln; c.1136G>A, p.Arg379Gln (NM_001178057.2, NM_152830.3); short protein forms R953Q, R379Q.
Identifiers: ClinVar variation 324409 (VCV000324409.17), dbSNP rs143507892, ClinGen allele CA8700284.